The following is an entry in ClinVar:

ClinVar aggregate classification (germline): Uncertain significance. Review status: criteria provided, single submitter (1 of 4 stars). 2 submissions from 2 submitters: Uncertain significance (1). 1 of the submissions does not count toward it. Last evaluated 2022-03-03.

Conditions:
Ellis-van Creveld syndrome (EVC). Also called: Chondroectodermal dysplasia; EVC-Related Ellis-van Creveld Syndrome; EVC2-Related Ellis-van Creveld Syndrome; MESOECTODERMAL DYSPLASIA. Identifiers: Orphanet 289, MedGen C0013903, MONDO:0009162, OMIM 225500.
Curry-Hall syndrome (WAD). Also called: WEYERS ACRODENTAL DYSOSTOSIS. Identifiers: Orphanet 952, MedGen C0457013, MONDO:0008673, OMIM 193530.

Allele frequency attached by ClinVar (database versions not stated): gnomAD exomes below 0.00001; ExAC 0.00001; gnomAD 0.00001; TOPMed 0.00001.
gnomAD v4.1: 2 of 1,613,464 alleles (0.00012%); highest among the groups gnomAD compares: African/African-American, 0.0013%; no homozygotes.

Submissions (2):

Labcorp Genetics (formerly Invitae), Labcorp
Classification: Uncertain significance for Curry-Hall syndrome; Ellis-van Creveld syndrome. Last evaluated: 2022-03-03. Review status: criteria provided, single submitter. Criteria: Invitae Variant Classification Sherloc (09022015). Collection method: clinical testing. Allele origin: germline.
Comment: In summary, the available evidence is currently insufficient to determine the role of this variant in disease. Therefore, it has been classified as a Variant of Uncertain Significance. Algorithms developed to predict the effect of missense changes on protein structure and function are either unavailable or do not agree on the potential impact of this missense change (SIFT: "Deleterious"; PolyPhen-2: "Probably Damaging"; Align-GVGD: "Class C0"). ClinVar contains an entry for this variant (Variation ID: 1003721). This variant has not been reported in the literature in individuals affected with EVC-related conditions. This variant is present in population databases (rs367968708, gnomAD 0.008%). This sequence change replaces glutamic acid, which is acidic and polar, with lysine, which is basic and polar, at codon 676 of the EVC protein (p.Glu676Lys).

Natera, Inc.
Classification: Uncertain significance for Ellis-van Creveld syndrome. Last evaluated: 2025-04-29. Review status: no assertion criteria provided. Collection method: clinical testing. Allele origin: germline. Not counted in ClinVar's aggregate classification.

NM_153717.3(EVC):c.2026G>A (p.Glu676Lys)

Gene: EVC (EvC ciliary complex subunit 1; plus strand). Cytogenetic location: 4p16.2.
Variant type: single nucleotide variant.
Coding change: c.2026G>A on transcript NM_153717.3 (MANE Select); coding-DNA position 2026, G replaced by A.
Protein change: p.Glu676Lys; replaces glutamic acid 676 with lysine.
Molecular consequence: missense variant.
Genome position (GRCh38, 1-based): chr4:5,797,161, G>A. VCF-style: chr4-5797161-G-A. GRCh37 (hg19) VCF-style: chr4-5798888-G-A.
Other names: c.2026G>A (NM_153717.2); c.2026G>A, p.Glu676Lys (NM_001306090.2); short protein forms E676K.
Identifiers: ClinVar variation 1003721 (VCV001003721.7), dbSNP rs367968708, ClinGen allele CA2836351.
Genomic context (GRCh38, chr4:5,797,161, plus strand): 5'-CTGGCCACCCTGACGCAGATGCGGCTATCGGGGAAGAAGCACCTCCTGCAGGAGCTGCGG[G>A]AACAGCGTGCACTGGAGCAGGGGTCCTCCCAGTGCCTGGACGAGCATCAGTGGCAGCTGC-3'
Protein context (NP_714928.1, residues 666-686): GKKHLLQELR[Glu676Lys]QRALEQGSSQ